The following is an entry in ClinVar:

NM_145868.2(ANXA11):c.1178C>G (p.Ala393Gly)

Gene: ANXA11 (annexin A11; minus strand). Cytogenetic location: 10q22.3.
Variant type: single nucleotide variant.
Coding change: c.1178C>G on transcript NM_145868.2 (MANE Select); coding-DNA position 1178, C replaced by G.
Protein change: p.Ala393Gly; replaces alanine 393 with glycine.
Molecular consequence: missense variant.
Genome position (GRCh38, 1-based): chr10:80,161,937, G>C on the plus strand (C>G on the coding strand, the complement: ANXA11 is on the minus strand). VCF-style: chr10-80161937-G-C. GRCh37 (hg19) VCF-style: chr10-81921693-G-C.
Other names: c.1178C>G, p.Ala393Gly (NM_001157.3, NM_001278407.2, NM_001278408.2 and 1 more transcripts); c.1079C>G, p.Ala360Gly (NM_001278409.2); short protein forms A360G, A393G.
Identifiers: ClinVar variation 4531559 (VCV004531559.1).

ClinVar aggregate classification (germline): Uncertain significance (1 of 4 stars; one submission).

Conditions:
Inclusion body myopathy and brain white matter abnormalities (IBMWMA). Also called: MULTISYSTEM PROTEINOPATHY 6. Identifiers: MedGen C5676909, MONDO:0850514, OMIM 619733.

Submission:

Victorian Clinical Genetics Services, Murdoch Childrens Research Institute
Classification: Uncertain significance for Inclusion body myopathy and brain white matter abnormalities. Last evaluated: 2025-03-20. Review status: criteria provided, single submitter. Criteria: ACMG Guidelines, 2015. Collection method: clinical testing. Allele origin: germline. Affected: yes.
Comment: This variant is classified as VUS-3B. Evidence in support of pathogenic classification: Variant is absent from gnomAD (v2, v3 and v4). Additional information: Variant is predicted to result in a missense amino acid change from alanine to glycine; This variant is heterozygous; This gene is associated with autosomal dominant disease; Alternative amino acid change(s) at the same position are present in gnomAD (highest allele count: v4: 23 heterozygote(s), 0 homozygote(s)) ; This variant has no previous evidence of pathogenicity; No published segregation evidence has been identified for this variant; No published functional evidence has been identified for this variant; No comparable missense variants have previous evidence for pathogenicity; Variant is located in the annotated annexin domain (DECIPHER); Missense variant with inconclusive in silico prediction and uninformative conservation; The mechanism of disease for this gene is not clearly established. Toxic gain of function is a suggested mechanism, however loss of function has not been excluded (PMID: 33087501); Inheritance information for this variant is not currently available in this individual.

Literature cited by the submitters: PubMed 33087501.